The following is an entry in ClinVar:

NM_014055.4(IFT81):c.955A>G (p.Ile319Val)

Gene: IFT81 (intraflagellar transport 81; plus strand). Cytogenetic location: 12q24.11.
Variant type: single nucleotide variant.
Coding change: c.955A>G on transcript NM_014055.4 (MANE Select); coding-DNA position 955, A replaced by G.
Protein change: p.Ile319Val; replaces isoleucine 319 with valine.
Molecular consequence: missense variant. On other transcripts: non-coding transcript variant (4).
Genome position (GRCh38, 1-based): chr12:110,146,962, A>G. VCF-style: chr12-110146962-A-G. GRCh37 (hg19) VCF-style: chr12-110584767-A-G.
Other names: c.955A>G, p.Ile319Val (NM_001143779.2, NM_001347946.2, NM_031473.4); c.25A>G, p.Ile9Val (NM_001347947.2, NM_001347948.2); short protein forms I319V, I9V.
Identifiers: ClinVar variation 1501745 (VCV001501745.6), dbSNP rs748278475, ClinGen allele CA6783232.

ClinVar aggregate classification (germline): Uncertain significance (1 of 4 stars; one submission).

Allele frequency attached by ClinVar (database versions not stated): gnomAD exomes below 0.00001 and 0.00002; TOPMed below 0.00001; ExAC 0.00001; gnomAD 0.00001.
gnomAD v4.1: 2 of 1,605,200 alleles (0.00012%); highest among the groups gnomAD compares: East Asian, 0.0022%; no homozygotes.

Submission:

Labcorp Genetics (formerly Invitae), Labcorp
Classification: Uncertain significance. Last evaluated: 2024-02-24. Review status: criteria provided, single submitter. Criteria: Invitae Variant Classification Sherloc (09022015). Collection method: clinical testing. Allele origin: germline.
Comment: This sequence change replaces isoleucine, which is neutral and non-polar, with valine, which is neutral and non-polar, at codon 319 of the IFT81 protein (p.Ile319Val). This variant is present in population databases (rs748278475, gnomAD 0.02%). This variant has not been reported in the literature in individuals affected with IFT81-related conditions. ClinVar contains an entry for this variant (Variation ID: 1501745). Advanced modeling of protein sequence and biophysical properties (such as structural, functional, and spatial information, amino acid conservation, physicochemical variation, residue mobility, and thermodynamic stability) performed at Invitae indicates that this missense variant is not expected to disrupt IFT81 protein function with a negative predictive value of 80%. In summary, the available evidence is currently insufficient to determine the role of this variant in disease. Therefore, it has been classified as a Variant of Uncertain Significance.